The following is an entry in ClinVar:

NM_006939.4(SOS2):c.3209G>A (p.Arg1070Gln)

Gene: SOS2 (SOS Ras/Rho guanine nucleotide exchange factor 2; minus strand). Cytogenetic location: 14q21.3.
Variant type: single nucleotide variant.
Coding change: c.3209G>A on transcript NM_006939.4 (MANE Select); coding-DNA position 3209, G replaced by A.
Protein change: p.Arg1070Gln; replaces arginine 1070 with glutamine.
Molecular consequence: missense variant.
Genome position (GRCh38, 1-based): chr14:50,130,629, C>T on the plus strand (G>A on the coding strand, the complement: SOS2 is on the minus strand). VCF-style: chr14-50130629-C-T. GRCh37 (hg19) VCF-style: chr14-50597347-C-T.
Other names: c.3110G>A, p.Arg1037Gln (NM_001411020.1); short protein forms R1070Q, R1037Q.
Identifiers: ClinVar variation 2142740 (VCV002142740.5), dbSNP rs1245809919, ClinGen allele CA389640714.

ClinVar aggregate classification (germline): Uncertain significance. Review status: criteria provided, multiple submitters, no conflicts (2 of 4 stars). 2 submissions from 2 submitters: Uncertain significance (2). Last evaluated 2025-08-02.

Conditions:
Noonan syndrome 9 (NS9). Identifiers: Orphanet 648, MedGen C4225282, MONDO:0014691, OMIM 616559.

Allele frequency attached by ClinVar (database versions not stated): TOPMed below 0.00001; gnomAD 0.00001; gnomAD exomes 0.00001.
gnomAD v4.1: 14 of 1,613,956 alleles (0.00087%); highest among the groups gnomAD compares: African/African-American, 0.0013%; no homozygotes.

Submissions (2):

Labcorp Genetics (formerly Invitae), Labcorp
Classification: Uncertain significance for Noonan syndrome 9. Last evaluated: 2025-08-02. Review status: criteria provided, single submitter. Criteria: Invitae Variant Classification Sherloc (09022015). Collection method: clinical testing. Allele origin: germline.
Comment: This sequence change replaces arginine, which is basic and polar, with glutamine, which is neutral and polar, at codon 1070 of the SOS2 protein (p.Arg1070Gln). This variant is present in population databases (no rsID available, gnomAD 0.007%). This variant has not been reported in the literature in individuals affected with SOS2-related conditions. ClinVar contains an entry for this variant (Variation ID: 2142740). Invitae Evidence Modeling of protein sequence and biophysical properties (such as structural, functional, and spatial information, amino acid conservation, physicochemical variation, residue mobility, and thermodynamic stability) indicates that this missense variant is not expected to disrupt SOS2 protein function with a negative predictive value of 95%. In summary, the available evidence is currently insufficient to determine the role of this variant in disease. Therefore, it has been classified as a Variant of Uncertain Significance.

Women's Health and Genetics/Laboratory Corporation of America, LabCorp
Classification: Uncertain significance. Last evaluated: 2025-05-31. Review status: criteria provided, single submitter. Criteria: LabCorp Variant Classification Summary - May 2015. Collection method: clinical testing. Allele origin: germline.
Comment: Variant summary: SOS2 c.3209G>A (p.Arg1070Gln) results in a conservative amino acid change in the encoded protein sequence. Algorithms developed to predict the effect of missense changes on protein structure and function are either unavailable or do not agree on the potential impact of this missense change. The variant was absent in 251458 control chromosomes. The available data on variant occurrences in the general population are insufficient to allow any conclusion about variant significance. To our knowledge, no occurrence of c.3209G>A in individuals affected with Noonan Syndrome and no experimental evidence demonstrating its impact on protein function have been reported. ClinVar contains an entry for this variant (Variation ID: 2142740). Based on the evidence outlined above, the variant was classified as uncertain significance.